The following is an entry in ClinVar:

ClinVar aggregate classification (germline): Uncertain significance (1 of 4 stars; one submission).

Submission:

Labcorp Genetics (formerly Invitae), Labcorp
Classification: Uncertain significance. Last evaluated: 2022-08-19. Review status: criteria provided, single submitter. Criteria: Invitae Variant Classification Sherloc (09022015). Collection method: clinical testing. Allele origin: germline.
Comment: In summary, the available evidence is currently insufficient to determine the role of this variant in disease. Therefore, it has been classified as a Variant of Uncertain Significance. Algorithms developed to predict the effect of missense changes on protein structure and function are either unavailable or do not agree on the potential impact of this missense change (SIFT: "Tolerated"; PolyPhen-2: "Probably Damaging"; Align-GVGD: "Class C0"). ClinVar contains an entry for this variant (Variation ID: 1016686). This variant has not been reported in the literature in individuals affected with RBP3-related conditions. This variant is not present in population databases (gnomAD no frequency). This sequence change replaces glycine, which is neutral and non-polar, with alanine, which is neutral and non-polar, at codon 761 of the RBP3 protein (p.Gly761Ala).

NM_002900.3(RBP3):c.2282G>C (p.Gly761Ala)

Gene: RBP3 (retinol binding protein 3; plus strand). Cytogenetic location: 10q11.22.
Variant type: single nucleotide variant.
Coding change: c.2282G>C on transcript NM_002900.3 (MANE Select); coding-DNA position 2282, G replaced by C.
Protein change: p.Gly761Ala; replaces glycine 761 with alanine.
Molecular consequence: missense variant.
Genome position (GRCh38, 1-based): chr10:47,350,766, G>C. VCF-style: chr10-47350766-G-C. GRCh37 (hg19) VCF-style: chr10-48388596-C-G.
Other names: short protein forms G761A.
Identifiers: ClinVar variation 1016686 (VCV001016686.6), dbSNP rs1555211441, ClinGen allele CA376672777.